The following is an entry in ClinVar:

NM_000540.3(RYR1):c.13447G>A (p.Val4483Met)

Gene: RYR1 (ryanodine receptor 1; plus strand). Cytogenetic location: 19q13.2.
Variant type: single nucleotide variant.
Coding change: c.13447G>A on transcript NM_000540.3 (MANE Select); coding-DNA position 13447, G replaced by A.
Protein change: p.Val4483Met; replaces valine 4483 with methionine.
Molecular consequence: missense variant.
Genome position (GRCh38, 1-based): chr19:38,566,920, G>A. VCF-style: chr19-38566920-G-A. GRCh37 (hg19) VCF-style: chr19-39057560-G-A.
Other names: c.13432G>A, p.Val4478Met (NM_001042723.2); short protein forms V4478M, V4483M.
Identifiers: ClinVar variation 1303815 (VCV001303815.7), dbSNP rs1374937370, ClinGen allele CA405676245.
Genomic context (GRCh38, chr19:38,566,920, plus strand): 5'-TGAGAAGCGCTTAGGGTGAGGACTCAGCCCTGATGCTTGCCCTGTCCCTAGGTGGATGGA[G>A]TGGAGGAGGAGCTCCCGCCAGAGCCAGAGCCCGAGCCGGAACCAGAGCTGGAGCCGGAGA-3'
Protein context (NP_000531.2, residues 4473-4493): ILKRKLGVDG[Val4483Met]EEELPPEPEP

ClinVar aggregate classification (germline): Conflicting classifications of pathogenicity. Review status: criteria provided, conflicting classifications (1 of 4 stars). 4 submissions from 4 submitters: Uncertain significance (3); Likely benign (1). Last evaluated 2025-09-04.

Conditions:
RYR1-related disorder. Also called: RYR1-related disorders; RYR1-related condition. Identifiers: MedGen CN239331.
Malignant hyperthermia, susceptibility to, 1 (MHS1). Also called: RYR1-Related Malignant Hyperthermia Susceptibility; Anesthesia related hyperthermia; Malignant hyperpyrexia; Fulminating hyperpyrexia; Pharmacogenic myopathy; Malignant hyperthermia suceptibility 1. Identifiers: Orphanet 423, MedGen C2930980, MONDO:0007783, OMIM 145600.

Allele frequency attached by ClinVar (database versions not stated): gnomAD exomes below 0.00001 and 0.00001; TOPMed 0.00001.
gnomAD v4.1: 2 of 1,605,600 alleles (0.00012%); highest among the groups gnomAD compares: Admixed American, 0.0034%; no homozygotes.

Submissions (4):

Color Diagnostics, LLC DBA Color Health
Classification: Likely benign for Malignant hyperthermia, susceptibility to, 1. Last evaluated: 2025-09-04. Review status: criteria provided, single submitter. Criteria: ACMG Guidelines, 2015. Collection method: clinical testing. Allele origin: germline.

Labcorp Genetics (formerly Invitae), Labcorp
Classification: Uncertain significance for RYR1-related disorder. Last evaluated: 2025-04-15. Review status: criteria provided, single submitter. Criteria: Invitae Variant Classification Sherloc (09022015). Collection method: clinical testing. Allele origin: germline.
Comment: This sequence change replaces valine, which is neutral and non-polar, with methionine, which is neutral and non-polar, at codon 4483 of the RYR1 protein (p.Val4483Met). The frequency data for this variant in the population databases is considered unreliable, as metrics indicate poor data quality at this position in the gnomAD database. This variant has not been reported in the literature in individuals affected with RYR1-related conditions. ClinVar contains an entry for this variant (Variation ID: 1303815). Invitae Evidence Modeling of protein sequence and biophysical properties (such as structural, functional, and spatial information, amino acid conservation, physicochemical variation, residue mobility, and thermodynamic stability) indicates that this missense variant is not expected to disrupt RYR1 protein function with a negative predictive value of 80%. In summary, the available evidence is currently insufficient to determine the role of this variant in disease. Therefore, it has been classified as a Variant of Uncertain Significance.

GeneDx
Classification: Uncertain significance. Last evaluated: 2024-12-10. Review status: criteria provided, single submitter. Criteria: GeneDx Variant Classification Process June 2021. Collection method: clinical testing. Allele origin: germline. Affected: yes.
Comment: Not observed at significant frequency in large population cohorts (gnomAD); In silico analysis indicates that this missense variant does not alter protein structure/function; Has not been previously published as pathogenic or benign to our knowledge

All of Us Research Program, National Institutes of Health
Classification: Uncertain significance for Malignant hyperthermia, susceptibility to, 1. Last evaluated: 2023-08-15. Review status: criteria provided, single submitter. Criteria: ACMG Guidelines, 2015. Collection method: clinical testing. Allele origin: germline. Inheritance: Autosomal dominant inheritance. Observed: 1 variant allele, 1 heterozygote.
Comment: This missense variant replaces valine with methionine at codon 4483 of the RYR1 protein. Computational prediction suggests that this variant may not impact protein structure and function (internally defined REVEL score threshold <= 0.5, PMID: 27666373). To our knowledge, functional studies have not been reported for this variant. This variant has not been reported in individuals affected with malignant hyperthermia in the literature. This variant has been identified in 2/233968 chromosomes in the general population by the Genome Aggregation Database (gnomAD). The available evidence is insufficient to determine the role of this variant in disease conclusively. Therefore, this variant is classified as a Variant of Uncertain Significance.

This study involves interpretation of variants in research participants for the purpose of population health screening. Participant phenotype was not available at the time of variant classification. Additional details can be found in publication PMID: 35346344, PMCID: PMC8962531